The following is an entry in ClinVar:

NM_015072.5(TTLL5):c.3126G>A (p.Ala1042=)

Gene: TTLL5 (tubulin tyrosine ligase like 5; plus strand). Cytogenetic location: 14q24.3.
Variant type: single nucleotide variant.
Coding change: c.3126G>A on transcript NM_015072.5 (MANE Select); coding-DNA position 3126, G replaced by A.
Protein change: p.Ala1042=; no amino-acid change (alanine 1042 retained).
Molecular consequence: synonymous variant.
Genome position (GRCh38, 1-based): chr14:75,793,055, G>A. VCF-style: chr14-75793055-G-A. GRCh37 (hg19) VCF-style: chr14-76259398-G-A.
Other names: c.3126G>A (NM_015072.4).
Identifiers: ClinVar variation 1537575 (VCV001537575.10), dbSNP rs528586611, ClinGen allele CA7279895.

ClinVar aggregate classification (germline): Likely benign. Review status: criteria provided, multiple submitters, no conflicts (2 of 4 stars). 3 submissions from 3 submitters: Likely benign (3). Last evaluated 2026-03-16.

Conditions:
TTLL5-related disorder. Also called: TTLL5-related condition.

Allele frequency attached by ClinVar (database versions not stated): gnomAD 0.00001; TOPMed 0.00001; ExAC 0.00005; gnomAD exomes 0.00005; 1000 Genomes Project 30x 0.00016; 1000 Genomes Project 0.00020.
gnomAD v4.1: 27 of 1,613,740 alleles (0.0017%); highest among the groups gnomAD compares: South Asian, 0.023%; no homozygotes.

Submissions (3):

PreventionGenetics, part of Exact Sciences
Classification: Likely benign for TTLL5-related condition. Last evaluated: 2026-03-16. Review status: criteria provided, single submitter. Criteria: ACMG Guidelines, 2015. Collection method: clinical testing. Allele origin: germline.
Comment: This variant is classified as likely benign based on ACMG/AMP sequence variant interpretation guidelines (Richards et al. 2015 PMID: 25741868, with internal and published modifications).

Labcorp Genetics (formerly Invitae), Labcorp
Classification: Likely benign. Last evaluated: 2025-06-12. Review status: criteria provided, single submitter. Criteria: Invitae Variant Classification Sherloc (09022015). Collection method: clinical testing. Allele origin: germline.

Blueprint Genetics
Classification: Likely benign. Last evaluated: 2022-11-04. Review status: criteria provided, single submitter. Criteria: ACMG Guidelines, 2015. Collection method: clinical testing. Allele origin: germline.